The following is an entry in ClinVar:

NM_001017995.3(SH3PXD2B):c.*1478T>C

Gene: SH3PXD2B (SH3 and PX domains 2B; minus strand). Cytogenetic location: 5q35.1.
Variant type: single nucleotide variant.
Coding change: c.*1478T>C on transcript NM_001017995.3 (MANE Select); 1478 bases downstream of the stop codon, T replaced by C.
Molecular consequence: 3 prime UTR variant. On other transcripts: intron variant (1).
Genome position (GRCh38, 1-based): chr5:172,336,891, A>G on the plus strand (T>C on the coding strand, the complement: SH3PXD2B is on the minus strand). VCF-style: chr5-172336891-A-G. GRCh37 (hg19) VCF-style: chr5-171763895-A-G.
Other names: c.1188+9245T>C (NM_001308175.2).
Identifiers: ClinVar variation 905684 (VCV000905684.4), dbSNP rs144551299, ClinGen allele CA132181118.
Genomic context (GRCh38, chr5:172,336,891, plus strand): 5'-TGCCTCTCCAGACCTCAGTTTGACAGATGACCACATCTGCCCTGGGTTTCTTCAAGGGAG[A>G]AAACAGATTTGGCAGTGCGTGAAAAAAGAAAAAAACATTACAAATGCCGGAGAGGCACAG-3'

ClinVar aggregate classification (germline): Likely benign (1 of 4 stars; one submission).

Conditions:
Frank-Ter Haar syndrome. Also called: Borrone di Rocco Crovato syndrome; TER HAAR SYNDROME; MELNICK-NEEDLES SYNDROME, AUTOSOMAL RECESSIVE; BORRONE DERMATOCARDIOSKELETAL SYNDROME. Identifiers: Orphanet 1266, Orphanet 137834, MedGen C1855305, MONDO:0009579, OMIM 249420.

Allele frequency attached by ClinVar (database versions not stated): 1000 Genomes Project 30x 0.00156; 1000 Genomes Project 0.00180; TOPMed 0.00298; gnomAD 0.00365 and 0.00374; gnomAD exomes 0.00446.
gnomAD v4.1: 4,257 of 985,386 alleles (0.43%); highest among the groups gnomAD compares: Non-Finnish European, 0.46%; 7 homozygotes.

Submission:

Illumina Laboratory Services, Illumina
Classification: Likely benign for Frank-Ter Haar syndrome. Last evaluated: 2018-01-13. Review status: criteria provided, single submitter. Criteria: ICSL Variant Classification Criteria 13 December 2019. Collection method: clinical testing. Allele origin: germline.
Comment: This variant was observed in the ICSL laboratory as part of a predisposition screen in an ostensibly healthy population. It had not been previously curated by ICSL or reported in the Human Gene Mutation Database (HGMD: prior to June 1st, 2018), and was therefore a candidate for classification through an automated scoring system. Utilizing variant allele frequency, disease prevalence and penetrance estimates, and inheritance mode, an automated score was calculated to assess if this variant is too frequent to cause the disease. Based on the score and internal cut-off values, a variant classified as likely benign is not then subjected to further curation. The score for this variant resulted in a classification of likely benign for this disease.